The following is an entry in ClinVar:

ClinVar aggregate classification (germline): Uncertain significance. Review status: no assertion criteria provided (0 of 4 stars). 2 submissions from 1 submitter: Uncertain significance (1). 1 of the submissions does not count toward it.

Allele frequency attached by ClinVar (database versions not stated): TOPMed 0.00001; ExAC 0.00002; gnomAD exomes 0.00002.
gnomAD v4.1: 16 of 1,614,168 alleles (0.00099%); highest among the groups gnomAD compares: South Asian, 0.0055%; no homozygotes.

Submissions (2):

Richard Lifton Laboratory, Yale University School of Medicine
Classification: Uncertain significance. Review status: no assertion criteria provided. Collection method: not provided. Allele origin: somatic.
Comment: CYP4F3:p.R275H
ClinVar note: Converted during submission from unknown to Uncertain significance.

Richard Lifton Laboratory, Yale University School of Medicine
Classification: Uncertain significance. Review status: flagged submission. Collection method: not provided. Allele origin: somatic. Not counted in ClinVar's aggregate classification.
ClinVar note: Converted during submission from unknown to Uncertain significance.
ClinVar note: Reason: This record appears to be redundant with a more recent record from the same submitter.
ClinVar note: Notes: SCV000120037 appears to be redundant with SCV000155140.

NM_000896.3(CYP4F3):c.824G>A (p.Arg275His)

Gene: CYP4F3 (cytochrome P450 family 4 subfamily F member 3; plus strand). Cytogenetic location: 19p13.12.
Variant type: single nucleotide variant.
Coding change: c.824G>A on transcript NM_000896.3 (MANE Select); coding-DNA position 824, G replaced by A.
Protein change: p.Arg275His; replaces arginine 275 with histidine.
Molecular consequence: missense variant.
Genome position (GRCh38, 1-based): chr19:15,650,089, G>A. VCF-style: chr19-15650089-G-A. GRCh37 (hg19) VCF-style: chr19-15760899-G-A.
Other names: c.824G>A, p.Arg275His (NM_001199208.2, NM_001199209.2, NM_001369696.1); short protein forms R275H.
Identifiers: ClinVar variation 100817 (VCV000100817.2), dbSNP rs483352698, ClinGen allele CA229055.
Genomic context (GRCh38, chr19:15,650,089, plus strand): 5'-GTTTCCGCAGGGCCTGCCGCCTGGTGCACGACTTCACAGATGCCGTCATCCAGGAGCGGC[G>A]CCGCACCCTCCCTAGCCAGGGTGTTGATGACTTCCTCCAAGCCAAGGCCAAATCCAAGAC-3'
Protein context (NP_000887.2, residues 265-285): DFTDAVIQER[Arg275His]RTLPSQGVDD